The following is an entry in ClinVar:

NM_003579.4(RAD54L):c.1756A>C (p.Asn586His)

Gene: RAD54L (RAD54 like; plus strand). Cytogenetic location: 1p34.1.
Variant type: single nucleotide variant.
Coding change: c.1756A>C on transcript NM_003579.4 (MANE Select); coding-DNA position 1756, A replaced by C.
Protein change: p.Asn586His; replaces asparagine 586 with histidine.
Molecular consequence: missense variant.
Genome position (GRCh38, 1-based): chr1:46,274,604, A>C. VCF-style: chr1-46274604-A-C. GRCh37 (hg19) VCF-style: chr1-46740276-A-C.
Other names: c.1756A>C, p.Asn586His (NM_001142548.2); c.1216A>C, p.Asn406His (NM_001370766.1); short protein forms N586H, N406H.
Identifiers: ClinVar variation 2562789 (VCV002562789.2), dbSNP rs1385925224, ClinGen allele CA340185529.

ClinVar aggregate classification (germline): Uncertain significance (1 of 4 stars; one submission).

Submission:

Ambry Genetics
Classification: Uncertain significance. Last evaluated: 2023-04-06. Review status: criteria provided, single submitter. Criteria: Ambry Variant Classification Scheme 2023. Collection method: clinical testing. Allele origin: germline.
Comment: The p.N586H variant (also known as c.1756A>C), located in coding exon 16 of the RAD54L gene, results from an A to C substitution at nucleotide position 1756. The asparagine at codon 586 is replaced by histidine, an amino acid with similar properties. This amino acid position is conserved. In addition, the in silico prediction for this alteration is inconclusive. Since supporting evidence is limited at this time, the clinical significance of this alteration remains unclear.